The following is an entry in ClinVar:

NM_000532.5(PCCB):c.1433_1436dup (p.Glu480fs)

Gene: PCCB (propionyl-CoA carboxylase subunit beta; plus strand). Cytogenetic location: 3q22.3.
Variant type: Duplication.
Coding change: c.1433_1436dup on transcript NM_000532.5 (MANE Select); coding-DNA positions 1433 to 1436, 4 bases duplicated (ATGT; older notation c.1433_1436dupATGT).
Protein change: p.Glu480fs; shifts the reading frame from glutamic acid 480.
Molecular consequence: frameshift variant.
Genome position (GRCh38, 1-based): chr3:136,328,792-136,328,795, ATGT duplicated. VCF-style (leftmost placement, unchanged base first): chr3-136328791-A-AATGT. GRCh37 (hg19) VCF-style: chr3-136047633-A-AATGT.
Other names: c.1493_1496dup, p.Glu500fs (NM_001178014.2); short protein forms E480fs, E500fs.
Identifiers: ClinVar variation 645138 (VCV000645138.8), dbSNP rs1576361811, ClinGen allele CA915941584.

ClinVar aggregate classification (germline): Pathogenic (1 of 4 stars; one submission).

Conditions:
Propionic acidemia (PROP). Also called: KETOTIC HYPERGLYCINEMIA; GLYCINEMIA, KETOTIC; HYPERGLYCINEMIA WITH KETOACIDOSIS AND LEUKOPENIA. Identifiers: Orphanet 35, MedGen C0268579, MONDO:0011628, OMIM 606054, HP:0003571.

Submission:

Labcorp Genetics (formerly Invitae), Labcorp
Classification: Pathogenic for Propionic acidemia. Last evaluated: 2018-12-19. Review status: criteria provided, single submitter. Criteria: Invitae Variant Classification Sherloc (09022015). Collection method: clinical testing. Allele origin: germline.
Comment: For these reasons, this variant has been classified as Pathogenic. This variant disrupts the C-terminus of the PCCB protein. Other variant(s) that disrupt this region (p.Arg499*) have been determined to be pathogenic (PMID: 8295402, 12007220, 12189489, 11136555). This suggests that variants that disrupt this region of the protein are likely to be causative of disease. Experimental studies and prediction algorithms are not available for this variant, and the functional significance of the affected amino acid(s) is currently unknown. This variant has not been reported in the literature in individuals with PCCB-related conditions. This variant is not present in population databases (ExAC no frequency). This sequence change results in a premature translational stop signal in the PCCB gene (p.Glu480Cysfs*26). While this is not anticipated to result in nonsense mediated decay, it is expected to disrupt the last 60 amino acids of the PCCB protein.

Literature cited by the submitters: PubMed 8295402; PubMed 12007220; PubMed 12189489; PubMed 11136555.